The following is an entry in ClinVar:

ClinVar aggregate classification (germline): Benign/Likely benign. Review status: criteria provided, multiple submitters, no conflicts (2 of 4 stars). 9 submissions from 9 submitters: Benign (4); Likely benign (4). 1 of the submissions does not count toward it. Last evaluated 2026-01-21.

Conditions:
ASPM-related disorder. Also called: ASPM-related condition.
Microcephaly 5, primary, autosomal recessive (MCPH5). Also called: ASPM Primary Microcephaly. Identifiers: Orphanet 2512, MedGen C1837501, MONDO:0012106, OMIM 608716.

Allele frequency attached by ClinVar (database versions not stated): gnomAD exomes 0.00026 and 0.00076; ExAC 0.00085; ESP Exome Variant Server 0.00246; 1000 Genomes Project 0.00300; gnomAD 0.00304 and 0.00333; TOPMed 0.00351; 1000 Genomes Project 30x 0.00375.
gnomAD v4.1: 870 of 1,612,608 alleles (0.054%); highest among the groups gnomAD compares: African/African-American, 0.98%; 7 homozygotes.

Submissions (9):

Labcorp Genetics (formerly Invitae), Labcorp
Classification: Benign. Last evaluated: 2026-01-21. Review status: criteria provided, single submitter. Criteria: Invitae Variant Classification Sherloc (09022015). Collection method: clinical testing. Allele origin: germline.

CeGaT Center for Human Genetics Tuebingen
Classification: Likely benign. Last evaluated: 2025-11-01. Review status: criteria provided, single submitter. Criteria: CeGaT Center For Human Genetics Tuebingen Variant Classification Criteria Version 2. Collection method: clinical testing. Allele origin: germline. Affected: yes. Observed: 4 variant alleles.
Comment: ASPM: BP4, BP7

Blueprint Genetics
Classification: Likely benign. Last evaluated: 2024-07-30. Review status: criteria provided, single submitter. Criteria: ACMG Guidelines, 2015. Collection method: clinical testing. Allele origin: germline.

Genome-Nilou Lab
Classification: Benign for Microcephaly 5, primary, autosomal recessive. Last evaluated: 2023-04-11. Review status: criteria provided, single submitter. Criteria: ACMG Guidelines, 2015. Collection method: clinical testing. Allele origin: germline. Affected: no.

GeneDx
Classification: Likely benign. Last evaluated: 2021-04-13. Review status: criteria provided, single submitter. Criteria: GeneDx Variant Classification Process June 2021. Collection method: clinical testing. Allele origin: germline. Affected: yes.

Illumina Laboratory Services, Illumina
Classification: Likely benign for Microcephaly 5, primary, autosomal recessive. Last evaluated: 2018-01-13. Review status: criteria provided, single submitter. Criteria: ICSL Variant Classification Criteria 13 December 2019. Collection method: clinical testing. Allele origin: germline.
Comment: This variant was observed in the ICSL laboratory as part of a predisposition screen in an ostensibly healthy population. It had not been previously curated by ICSL or reported in the Human Gene Mutation Database (HGMD: prior to June 1st, 2018), and was therefore a candidate for classification through an automated scoring system. Utilizing variant allele frequency, disease prevalence and penetrance estimates, and inheritance mode, an automated score was calculated to assess if this variant is too frequent to cause the disease. Based on the score and internal cut-off values, a variant classified as likely benign is not then subjected to further curation. The score for this variant resulted in a classification of likely benign for this disease.

Eurofins Ntd Llc (ga)
Classification: Benign. Last evaluated: 2015-11-11. Review status: criteria provided, single submitter. Criteria: EGL Classification Definitions 2015. Collection method: clinical testing. Allele origin: germline. Observed: 1 variant allele, 1 heterozygote.

Genetic Services Laboratory, University of Chicago
Classification: Benign. Last evaluated: 2015-09-30. Review status: criteria provided, single submitter. Criteria: ACMG Guidelines, 2015. Collection method: clinical testing. Allele origin: germline. Affected: no.

PreventionGenetics, part of Exact Sciences
Classification: Benign for ASPM-related condition. Last evaluated: 2019-12-30. Review status: no assertion criteria provided. Collection method: clinical testing. Allele origin: germline. Not counted in ClinVar's aggregate classification.
Comment: This variant is classified as benign based on ACMG/AMP sequence variant interpretation guidelines (Richards et al. 2015 PMID: 25741868, with internal and published modifications).

NM_018136.5(ASPM):c.6775T>C (p.Leu2259=)

Gene: ASPM (assembly factor for spindle microtubules; minus strand). Cytogenetic location: 1q31.3.
Variant type: single nucleotide variant.
Coding change: c.6775T>C on transcript NM_018136.5 (MANE Select); coding-DNA position 6775, T replaced by C.
Protein change: p.Leu2259=; no amino-acid change (leucine 2259 retained).
Molecular consequence: synonymous variant. On other transcripts: intron variant (1).
Genome position (GRCh38, 1-based): chr1:197,102,476, A>G on the plus strand (T>C on the coding strand, the complement: ASPM is on the minus strand). VCF-style: chr1-197102476-A-G. GRCh37 (hg19) VCF-style: chr1-197071606-A-G.
Other names: c.4066-6312T>C (NM_001206846.2).
Identifiers: ClinVar variation 157858 (VCV000157858.49), dbSNP rs140922974, ClinGen allele CA171236.